The following is an entry in ClinVar:

ClinVar aggregate classification (germline): Uncertain significance (1 of 4 stars; one submission).

Allele frequency attached by ClinVar (database versions not stated): gnomAD exomes below 0.00001; gnomAD 0.00001.
gnomAD v4.1: 3 of 1,614,076 alleles (0.00019%); highest among the groups gnomAD compares: Admixed American, 0.005%; no homozygotes.

Submission:

Labcorp Genetics (formerly Invitae), Labcorp
Classification: Uncertain significance. Last evaluated: 2022-03-15. Review status: criteria provided, single submitter. Criteria: Invitae Variant Classification Sherloc (09022015). Collection method: clinical testing. Allele origin: germline.
Comment: In summary, the available evidence is currently insufficient to determine the role of this variant in disease. Therefore, it has been classified as a Variant of Uncertain Significance. Algorithms developed to predict the effect of missense changes on protein structure and function are either unavailable or do not agree on the potential impact of this missense change (SIFT: "Deleterious"; PolyPhen-2: "Probably Damaging"; Align-GVGD: "Class C15"). This variant has not been reported in the literature in individuals affected with ADGRG1-related conditions. This variant is not present in population databases (gnomAD no frequency). This sequence change replaces valine, which is neutral and non-polar, with methionine, which is neutral and non-polar, at codon 581 of the ADGRG1 protein (p.Val581Met).

NM_201525.4(ADGRG1):c.1723G>A (p.Val575Met)

Gene: ADGRG1 (adhesion G protein-coupled receptor G1; plus strand). Cytogenetic location: 16q21.
Variant type: single nucleotide variant.
Coding change: c.1723G>A on transcript NM_201525.4 (MANE Select); coding-DNA position 1723, G replaced by A.
Protein change: p.Val575Met; replaces valine 575 with methionine.
Molecular consequence: missense variant.
Genome position (GRCh38, 1-based): chr16:57,661,755, G>A. VCF-style: chr16-57661755-G-A. GRCh37 (hg19) VCF-style: chr16-57695667-G-A.
Other names: c.1723G>A, p.Val575Met (NM_001145770.3, NM_001145772.3, NM_001145774.3 and 7 more transcripts); c.1741G>A, p.Val581Met (NM_001145771.3, NM_001370428.1, NM_005682.7 and 4 more transcripts); c.1738G>A, p.Val580Met (NM_001145773.3, NM_001370433.1, NM_001370434.1); c.1231G>A, p.Val411Met (NM_001290142.2); c.1216G>A, p.Val406Met (NM_001290143.2); c.1198G>A, p.Val400Met (NM_001290144.2, NM_001370451.1, NM_001370453.1 and 1 more transcripts); c.1720G>A, p.Val574Met (NM_001370441.1); c.1567G>A, p.Val523Met (NM_001370442.1); short protein forms V574M, V575M, V581M, V406M, V523M, V580M, V400M, V411M.
Identifiers: ClinVar variation 2112852 (VCV002112852.4), dbSNP rs2047149594, ClinGen allele CA396053316.